The following is an entry in ClinVar:

ClinVar aggregate classification (germline): Uncertain significance. Review status: criteria provided, multiple submitters, no conflicts (2 of 4 stars). 2 submissions from 2 submitters: Uncertain significance (2). Last evaluated 2023-06-26.

Conditions:
Inborn genetic diseases. Identifiers: MedGen C0950123, MeSH D030342.

Allele frequency attached by ClinVar (database versions not stated): ExAC 0.00001; gnomAD exomes 0.00001; ESP Exome Variant Server 0.00009.
gnomAD v4.1: 12 of 1,210,710 alleles (0.00099%); highest among the groups gnomAD compares: South Asian, 0.0018%; no homozygotes.

Submissions (2):

Ambry Genetics
Classification: Uncertain significance for Inborn genetic diseases. Last evaluated: 2023-06-26. Review status: criteria provided, single submitter. Criteria: Ambry Variant Classification Scheme 2023. Collection method: clinical testing. Allele origin: germline.

Labcorp Genetics (formerly Invitae), Labcorp
Classification: Uncertain significance. Last evaluated: 2023-06-24. Review status: criteria provided, single submitter. Criteria: Invitae Variant Classification Sherloc (09022015). Collection method: clinical testing. Allele origin: germline.
Comment: This sequence change replaces proline, which is neutral and non-polar, with serine, which is neutral and polar, at codon 671 of the CLCN5 protein (p.Pro671Ser). This variant is present in population databases (rs369687094, gnomAD 0.005%). This variant has not been reported in the literature in individuals affected with CLCN5-related conditions. An algorithm developed to predict the effect of missense changes on protein structure and function (PolyPhen-2) suggests that this variant is likely to be tolerated. In summary, the available evidence is currently insufficient to determine the role of this variant in disease. Therefore, it has been classified as a Variant of Uncertain Significance.

NM_001127898.4(CLCN5):c.2221C>T (p.Pro741Ser)

Genes: CLCN5 (chloride voltage-gated channel 5; plus strand), LOC126863258 (BRD4-independent group 4 enhancer GRCh37_chrX:49854497-49855696; plus strand). Cytogenetic location: Xp11.23.
Variant type: single nucleotide variant.
Coding change: c.2221C>T on transcript NM_001127898.4 (MANE Select); coding-DNA position 2221, C replaced by T.
Protein change: p.Pro741Ser; replaces proline 741 with serine.
Molecular consequence: missense variant.
Genome position (GRCh38, 1-based): chrX:50,090,747, C>T. VCF-style: chrX-50090747-C-T. GRCh37 (hg19) VCF-style: chrX-49855404-C-T.
Other names: c.2011C>T, p.Pro671Ser (NM_000084.5); c.2221C>T, p.Pro741Ser (NM_001127899.4); c.2071C>T, p.Pro691Ser (NM_001282163.2); short protein forms P691S, P671S, P741S.
Identifiers: ClinVar variation 2606292 (VCV002606292.5), dbSNP rs369687094, ClinGen allele CA10413978.